The following is an entry in ClinVar:

NM_015346.4(ZFYVE26):c.6397_6398del (p.Arg2133fs)

Gene: ZFYVE26 (zinc finger FYVE-type containing 26; minus strand). Cytogenetic location: 14q24.1.
Variant type: Deletion.
Coding change: c.6397_6398del on transcript NM_015346.4 (MANE Select); coding-DNA positions 6397 to 6398, 2 bases deleted (AG; older notation c.6397_6398delAG).
Protein change: p.Arg2133fs; shifts the reading frame from arginine 2133.
Molecular consequence: frameshift variant.
Genome position (GRCh38, 1-based): chr14:67,761,556-67,761,557, CT deleted on the plus strand (AG on the coding strand, the reverse complement: ZFYVE26 is on the minus strand); deleting any 2 consecutive bases within chr14:67,761,556-67,761,558 gives the same sequence; the c. name uses the placement nearest the transcript's 3' end. VCF-style (leftmost placement, unchanged base first): chr14-67761555-CCT-C. GRCh37 (hg19) VCF-style: chr14-68228272-CCT-C.
Other names: short protein forms R2133fs.
Identifiers: ClinVar variation 1724750 (VCV001724750.2), dbSNP rs2503962927, ClinGen allele CA2580088593.

ClinVar aggregate classification (germline): Likely pathogenic (1 of 4 stars; one submission).

Conditions:
Hereditary spastic paraplegia 15 (SPG15). Also called: SPASTIC PARAPLEGIA 15, AUTOSOMAL RECESSIVE; KJELLIN SYNDROME; SPASTIC PARAPLEGIA AND RETINAL DEGENERATION. Identifiers: Orphanet 100996, MedGen C1849128, MONDO:0010044, OMIM 270700.

Submission:

Myriad Genetics, Inc.
Classification: Likely pathogenic for Hereditary spastic paraplegia 15. Last evaluated: 2022-02-25. Review status: criteria provided, single submitter. Criteria: Myriad Women's Health Autosomal Recessive and X-Linked Classification Criteria (2021). Collection method: clinical testing. Allele origin: unknown.
Comment: NM_015346.3(ZFYVE26):c.6397_6398delAG(R2133Gfs*18) is expected to be pathogenic in the context of spastic paraplegia type 15. This variant is predicted to lead to an abnormal or absent protein product due to the creation of a premature termination codon in ZFYVE26, a gene where loss-of-function variants are known to be pathogenic. Please note: this variant was assessed in the context of healthy population screening.